The following is an entry in ClinVar:

NM_000944.5(PPP3CA):c.1354A>G (p.Ile452Val)

Gene: PPP3CA (protein phosphatase 3 catalytic subunit alpha; minus strand). Cytogenetic location: 4q24.
Variant type: single nucleotide variant.
Coding change: c.1354A>G on transcript NM_000944.5 (MANE Select); coding-DNA position 1354, A replaced by G.
Protein change: p.Ile452Val; replaces isoleucine 452 with valine.
Molecular consequence: missense variant. On other transcripts: intron variant (2).
Genome position (GRCh38, 1-based): chr4:101,029,181, T>C on the plus strand (A>G on the coding strand, the complement: PPP3CA is on the minus strand). VCF-style: chr4-101029181-T-C. GRCh37 (hg19) VCF-style: chr4-101950338-T-C.
Other names: c.1213+3086A>G (NM_001130692.2); c.1339+3086A>G (NM_001130691.2); short protein forms I452V.
Identifiers: ClinVar variation 1451016 (VCV001451016.9), dbSNP rs749840124, ClinGen allele CA3024251.
Genomic context (GRCh38, chr4:101,029,181, plus strand): 5'-CCTTATCTGTTGCAGGTACAACAGAAAGGGGACTGGCCAATTTACCTTCATCAGCCTCAA[T>C]AGCCTCAACAGTAGCTGAAGAGAAGAAAGGGGGTGCAAAATGAATGAGAAAAATGAGCAG-3'
Protein context (NP_000935.1, residues 442-462): QTLQSATVEA[Ile452Val]EADEAIKGFS

ClinVar aggregate classification (germline): Uncertain significance. Review status: criteria provided, multiple submitters, no conflicts (2 of 4 stars). 2 submissions from 2 submitters: Uncertain significance (2). Last evaluated 2025-09-27.

Conditions:
Developmental and epileptic encephalopathy 91. Also called: EPILEPTIC ENCEPHALOPATHY, INFANTILE OR EARLY CHILDHOOD, 1. Identifiers: MedGen C4540199, MONDO:0020630, OMIM 617711.
Arthrogryposis, cleft palate, craniosynostosis, and impaired intellectual development. Identifiers: Orphanet 565858, MedGen C4748872, MONDO:0032642, OMIM 618265.

Allele frequency attached by ClinVar (database versions not stated): ExAC 0.00001; gnomAD exomes 0.00001; gnomAD 0.00002.
gnomAD v4.1: 23 of 1,607,530 alleles (0.0014%); highest among the groups gnomAD compares: East Asian, 0.0022%; no homozygotes.

Submissions (2):

Labcorp Genetics (formerly Invitae), Labcorp
Classification: Uncertain significance. Last evaluated: 2025-09-27. Review status: criteria provided, single submitter. Criteria: Invitae Variant Classification Sherloc (09022015). Collection method: clinical testing. Allele origin: germline.
Comment: This sequence change replaces isoleucine, which is neutral and non-polar, with valine, which is neutral and non-polar, at codon 452 of the PPP3CA protein (p.Ile452Val). This variant is present in population databases (rs749840124, gnomAD 0.003%). This variant has not been reported in the literature in individuals affected with PPP3CA-related conditions. ClinVar contains an entry for this variant (Variation ID: 1451016). An algorithm developed to predict the effect of missense changes on protein structure and function (PolyPhen-2) suggests that this variant is likely to be tolerated. In summary, the available evidence is currently insufficient to determine the role of this variant in disease. Therefore, it has been classified as a Variant of Uncertain Significance.

Fulgent Genetics
Classification: Uncertain significance for Developmental and epileptic encephalopathy 91; Arthrogryposis, cleft palate, craniosynostosis, and impaired intellectual development. Last evaluated: 2024-02-07. Review status: criteria provided, single submitter. Criteria: ACMG Guidelines, 2015. Collection method: clinical testing. Allele origin: germline.